The following is an entry in ClinVar:

NM_005477.3(HCN4):c.1846T>A (p.Phe616Ile)

Gene: HCN4 (hyperpolarization activated cyclic nucleotide gated potassium channel 4; minus strand). Cytogenetic location: 15q24.1.
Variant type: single nucleotide variant.
Coding change: c.1846T>A on transcript NM_005477.3 (MANE Select); coding-DNA position 1846, T replaced by A.
Protein change: p.Phe616Ile; replaces phenylalanine 616 with isoleucine.
Molecular consequence: missense variant.
Genome position (GRCh38, 1-based): chr15:73,325,087, A>T on the plus strand (T>A on the coding strand, the complement: HCN4 is on the minus strand). VCF-style: chr15-73325087-A-T. GRCh37 (hg19) VCF-style: chr15-73617428-A-T.
Other names: short protein forms F616I.
Identifiers: ClinVar variation 3720806 (VCV003720806.2).

ClinVar aggregate classification (germline): Uncertain significance (1 of 4 stars; one submission).

Conditions:
Brugada syndrome 8 (BRGDA8). Identifiers: Orphanet 130, MedGen C2751083, MONDO:0013148, OMIM 613123.

Submission:

Labcorp Genetics (formerly Invitae), Labcorp
Classification: Uncertain significance for Brugada syndrome 8. Last evaluated: 2024-09-28. Review status: criteria provided, single submitter. Criteria: Invitae Variant Classification Sherloc (09022015). Collection method: clinical testing. Allele origin: germline.
Comment: This sequence change replaces phenylalanine, which is neutral and non-polar, with isoleucine, which is neutral and non-polar, at codon 616 of the HCN4 protein (p.Phe616Ile). This variant is not present in population databases (gnomAD no frequency). This variant has not been reported in the literature in individuals affected with HCN4-related conditions. Invitae Evidence Modeling of protein sequence and biophysical properties (such as structural, functional, and spatial information, amino acid conservation, physicochemical variation, residue mobility, and thermodynamic stability) indicates that this missense variant is expected to disrupt HCN4 protein function with a positive predictive value of 80%. In summary, the available evidence is currently insufficient to determine the role of this variant in disease. Therefore, it has been classified as a Variant of Uncertain Significance.